The following is an entry in ClinVar:

NM_001943.5(DSG2):c.8G>A (p.Arg3Gln)

Genes: DSG2 (desmoglein 2; plus strand), LOC130062340 (ATAC-STARR-seq lymphoblastoid silent region 9384; plus strand). Cytogenetic location: 18q12.1.
Variant type: single nucleotide variant.
Coding change: c.8G>A on transcript NM_001943.5 (MANE Select); coding-DNA position 8, G replaced by A.
Protein change: p.Arg3Gln; replaces arginine 3 with glutamine.
Molecular consequence: missense variant.
Genome position (GRCh38, 1-based): chr18:31,498,259, G>A. VCF-style: chr18-31498259-G-A. GRCh37 (hg19) VCF-style: chr18-29078222-G-A.
Other names: c.8G>A (NM_001943.3); short protein forms R3Q.
Identifiers: ClinVar variation 1438100 (VCV001438100.8), dbSNP rs979865463, ClinGen allele CA297713121.

ClinVar aggregate classification (germline): Conflicting classifications of pathogenicity. Review status: criteria provided, conflicting classifications (1 of 4 stars). 3 submissions from 3 submitters: Uncertain significance (2); Likely benign (1). Last evaluated 2024-10-02.

Conditions:
Arrhythmogenic right ventricular dysplasia 10. Also called: Arrhythmogenic Right Ventricular Dysplasia/Cardiomyopathy10; ARRHYTHMOGENIC RIGHT VENTRICULAR DYSPLASIA, FAMILIAL, 10; Arrhythmogenic right ventricular dysplasia/cardiomyopathy, type 10. Identifiers: MedGen C1857777, MONDO:0012434, OMIM 610193.
Cardiovascular phenotype. Identifiers: MedGen CN230736.

Allele frequency attached by ClinVar (database versions not stated): gnomAD exomes below 0.00001; TOPMed 0.00001; gnomAD 0.00002.
gnomAD v4.1: 4 of 1,260,446 alleles (0.00032%); highest among the groups gnomAD compares: African/African-American, 0.0062%; no homozygotes.

Submissions (3):

Labcorp Genetics (formerly Invitae), Labcorp
Classification: Uncertain significance for Arrhythmogenic right ventricular dysplasia 10. Last evaluated: 2024-10-02. Review status: criteria provided, single submitter. Criteria: Invitae Variant Classification Sherloc (09022015). Collection method: clinical testing. Allele origin: germline.
Comment: This sequence change replaces arginine, which is basic and polar, with glutamine, which is neutral and polar, at codon 3 of the DSG2 protein (p.Arg3Gln). This variant is present in population databases (no rsID available, gnomAD 0.01%). This variant has not been reported in the literature in individuals affected with DSG2-related conditions. ClinVar contains an entry for this variant (Variation ID: 1438100). Invitae Evidence Modeling of protein sequence and biophysical properties (such as structural, functional, and spatial information, amino acid conservation, physicochemical variation, residue mobility, and thermodynamic stability) indicates that this missense variant is not expected to disrupt DSG2 protein function with a negative predictive value of 95%. In summary, the available evidence is currently insufficient to determine the role of this variant in disease. Therefore, it has been classified as a Variant of Uncertain Significance.

Ambry Genetics
Classification: Likely benign for Cardiovascular phenotype. Last evaluated: 2024-05-16. Review status: criteria provided, single submitter. Criteria: Ambry Variant Classification Scheme 2023. Collection method: clinical testing. Allele origin: germline.

Clinical Genomics Laboratory, Stanford Medicine
Classification: Uncertain significance for Arrhythmogenic right ventricular dysplasia 10. Last evaluated: 2022-06-17. Review status: criteria provided, single submitter. Criteria: ACMG Guidelines, 2015. Collection method: clinical testing. Allele origin: germline. Observed: 1 variant allele, 1 heterozygote.
Comment: The p.Arg3Gln variant in the DSG2 gene has not been previously reported in association with disease. This variant has been identified in 1/8,628 African/African American chromosomes by the Genome Aggregation Database. This variant is present in ClinVar (Accession: VCV001438100.7). Computational tools predict that this variant does not impact protein function; however, the accuracy of in silico algorithms is limited. These data were assessed using the ACMG/AMP variant interpretation guidelines. In summary, the significance of the p.Arg3Gln variant is uncertain. Additional information is needed to resolve the significance of this variant. [ACMG evidence codes used: PM2; BP4]